The following is an entry in ClinVar:

NM_000229.2(LCAT):c.347A>T (p.Asn116Ile)

Gene: LCAT (lecithin-cholesterol acyltransferase; minus strand). Cytogenetic location: 16q22.1.
Variant type: single nucleotide variant.
Coding change: c.347A>T on transcript NM_000229.2 (MANE Select); coding-DNA position 347, A replaced by T.
Protein change: p.Asn116Ile; replaces asparagine 116 with isoleucine.
Molecular consequence: missense variant.
Genome position (GRCh38, 1-based): chr16:67,942,941, T>A on the plus strand (A>T on the coding strand, the complement: LCAT is on the minus strand). VCF-style: chr16-67942941-T-A. GRCh37 (hg19) VCF-style: chr16-67976844-T-A.
Other names: short protein forms N116I.
Identifiers: ClinVar variation 5023508 (VCV005023508.1).

ClinVar aggregate classification (germline): Uncertain significance (1 of 4 stars; one submission).

Conditions:
Cardiovascular phenotype. Identifiers: MedGen CN230736.

Submission:

Ambry Genetics
Classification: Uncertain significance for Cardiovascular phenotype. Last evaluated: 2026-07-04. Review status: criteria provided, single submitter. Criteria: Ambry Variant Classification Scheme 2023. Collection method: clinical testing. Allele origin: germline.
Comment: The p.N116I variant (also known as c.347A>T), located in coding exon 3 of the LCAT gene, results from an A to T substitution at nucleotide position 347. The asparagine at codon 116 is replaced by isoleucine, an amino acid with dissimilar properties. This amino acid position is conserved. In addition, this alteration is predicted to be deleterious by in silico analysis. Based on the available evidence, the clinical significance of this variant remains unclear.